The following is an entry in ClinVar:

NM_020800.3(IFT80):c.707C>T (p.Ala236Val)

Genes: IFT80 (intraflagellar transport 80; minus strand), TRIM59-IFT80 (TRIM59-IFT80 readthrough (NMD candidate); minus strand). Cytogenetic location: 3q25.33.
Variant type: single nucleotide variant.
Coding change: c.707C>T on transcript NM_020800.3 (MANE Select); coding-DNA position 707, C replaced by T.
Protein change: p.Ala236Val; replaces alanine 236 with valine.
Molecular consequence: missense variant. On other transcripts: non-coding transcript variant (3).
Genome position (GRCh38, 1-based): chr3:160,356,083, G>A on the plus strand (C>T on the coding strand, the complement: IFT80 is on the minus strand). VCF-style: chr3-160356083-G-A. GRCh37 (hg19) VCF-style: chr3-160073871-G-A.
Other names: c.296C>T, p.Ala99Val (NM_001190241.2, NM_001190242.2); short protein forms A236V, A99V.
Identifiers: ClinVar variation 343977 (VCV000343977.11), dbSNP rs774857269, ClinGen allele CA2685391.

ClinVar aggregate classification (germline): Uncertain significance. Review status: criteria provided, multiple submitters, no conflicts (2 of 4 stars). 3 submissions from 3 submitters: Uncertain significance (2). 1 of the submissions does not count toward it. Last evaluated 2022-06-14.

Conditions:
Jeune thoracic dystrophy. Also called: Jeune syndrome; Infantile thoracic dystrophy; Thoracic pelvic phalangeal dystrophy; Jeune's syndrome; Chondroectodermal dysplasia-like syndrome; Short-rib thoracic dysplasia. Identifiers: Orphanet 474, MedGen C0265275, MONDO:0018770.
Asphyxiating thoracic dystrophy 2 (SRTD2). Also called: SHORT-RIB THORACIC DYSPLASIA 2 WITH OR WITHOUT POLYDACTYLY; SHORT-RIB THORACIC DYSPLASIA 2 WITH POLYDACTYLY; SHORT-RIB THORACIC DYSPLASIA 2 WITHOUT POLYDACTYLY. Identifiers: Orphanet 474, MedGen C1970005, MONDO:0012644, OMIM 611263.

Allele frequency attached by ClinVar (database versions not stated): ExAC 0.00007; TOPMed 0.00007; gnomAD 0.00009; gnomAD exomes 0.00010.
gnomAD v4.1: 81 of 1,614,008 alleles (0.005%); highest among the groups gnomAD compares: Admixed American, 0.0017%; no homozygotes.

Submissions (3):

Labcorp Genetics (formerly Invitae), Labcorp
Classification: Uncertain significance for Jeune thoracic dystrophy. Last evaluated: 2022-06-14. Review status: criteria provided, single submitter. Criteria: Invitae Variant Classification Sherloc (09022015). Collection method: clinical testing. Allele origin: germline.
Comment: This sequence change replaces alanine, which is neutral and non-polar, with valine, which is neutral and non-polar, at codon 236 of the IFT80 protein (p.Ala236Val). This variant is present in population databases (rs774857269, gnomAD 0.2%). This variant has not been reported in the literature in individuals affected with IFT80-related conditions. ClinVar contains an entry for this variant (Variation ID: 343977). Algorithms developed to predict the effect of missense changes on protein structure and function are either unavailable or do not agree on the potential impact of this missense change (SIFT: "Deleterious"; PolyPhen-2: "Possibly Damaging"; Align-GVGD: "Class C0"). In summary, the available evidence is currently insufficient to determine the role of this variant in disease. Therefore, it has been classified as a Variant of Uncertain Significance.

Illumina Laboratory Services, Illumina
Classification: Uncertain significance for Asphyxiating thoracic dystrophy 2. Last evaluated: 2018-01-13. Review status: criteria provided, single submitter. Criteria: ICSL Variant Classification Criteria 13 December 2019. Collection method: clinical testing. Allele origin: germline.

Department of Pathology and Laboratory Medicine, Sinai Health System
Classification: Uncertain significance. Review status: no assertion criteria provided. Collection method: clinical testing. Allele origin: unknown. Affected: yes. Study: The Canadian Open Genetics Repository (COGR). Not counted in ClinVar's aggregate classification.
Comment: The IFT80 p.Ala99Val variant was not identified in the literature nor was it identified in LOVD 3.0. The variant was identified in dbSNP (ID: rs774857269) and ClinVar (classified as uncertain significance by Illumina). The variant was identified in control databases in 25 of 282826 chromosomes at a frequency of 0.000088 (Genome Aggregation Database March 6, 2019, v2.1.1). The variant was observed in the following populations: Ashkenazi Jewish in 20 of 10368 chromosomes (freq: 0.001929) and European (non-Finnish) in 5 of 129148 chromosomes (freq: 0.000039), but was not observed in the African, Latino, East Asian, European (Finnish), Other, or South Asian populations. The p.Ala99 residue is conserved in mammals and computational analyses (PolyPhen-2, SIFT, AlignGVGD, BLOSUM, MutationTaster) provide inconsistent predictions regarding the impact to the protein; this information is not very predictive of pathogenicity. The variant occurs outside of the splicing consensus sequence and in silico or computational prediction software programs (SpliceSiteFinder, MaxEntScan, NNSPLICE, GeneSplicer) do not predict a difference in splicing. In summary, based on the above information the clinical significance of this variant cannot be determined with certainty at this time. This variant is classified as a variant of uncertain significance.